The following is an entry in ClinVar:

NM_000548.5(TSC2):c.1918T>A (p.Phe640Ile)

Gene: TSC2 (TSC complex subunit 2; plus strand). Cytogenetic location: 16p13.3.
Variant type: single nucleotide variant.
Coding change: c.1918T>A on transcript NM_000548.5 (MANE Select); coding-DNA position 1918, T replaced by A.
Protein change: p.Phe640Ile; replaces phenylalanine 640 with isoleucine.
Molecular consequence: missense variant. On other transcripts: non-coding transcript variant (5).
Genome position (GRCh38, 1-based): chr16:2,071,588, T>A. VCF-style: chr16-2071588-T-A. GRCh37 (hg19) VCF-style: chr16-2121589-T-A.
Other names: c.1918T>A, p.Phe640Ile (NM_001077183.3, NM_001114382.3, NM_001363528.2 and 6 more transcripts); c.1807T>A, p.Phe603Ile (NM_001318827.2, NM_001406678.1, NM_001406670.1); c.1771T>A, p.Phe591Ile (NM_001318829.2, NM_001406675.1, NM_001406676.1 and 1 more transcripts); c.1318T>A, p.Phe440Ile (NM_001318831.2, NM_001406680.1, NM_001406682.1 and 6 more transcripts); c.1951T>A, p.Phe651Ile (NM_001318832.2); c.1861T>A, p.Phe621Ile (NM_001406677.1); c.1456T>A, p.Phe486Ile (NM_001406681.1); c.574T>A, p.Phe192Ile (NM_001406694.1, NM_001406695.1, NM_001406696.1 and 6 more transcripts); and 3 more; short protein forms F106I, F440I, F591I, F603I, F621I, F636I, F651I, F192I.
Identifiers: ClinVar variation 3974652 (VCV003974652.1).
Genomic context (GRCh38, chr16:2,071,588, plus strand): 5'-CTGCTGCGGGCCGACTCACTGCACCGCCTGGGCCTGCCCAACAAGGATGGAGTCGTGCGG[T>A]TCAGCCCCTACTGCGTCTGCGACTACATGTACGCGGGACCTCGCCCACGGCCCATGAGGC-3'
Protein context (NP_000539.2, residues 630-650): GLPNKDGVVR[Phe640Ile]SPYCVCDYME

ClinVar aggregate classification (germline): Uncertain significance (1 of 4 stars; one submission).

Conditions:
Hereditary cancer-predisposing syndrome. Also called: Tumor predisposition; Hereditary neoplastic syndrome; Hereditary Cancer Syndrome; Neoplastic Syndromes, Hereditary. Identifiers: Orphanet 140162, MedGen C0027672, MeSH D009386, MONDO:0015356.

Submission:

Ambry Genetics
Classification: Uncertain significance for Hereditary cancer-predisposing syndrome. Last evaluated: 2025-04-11. Review status: criteria provided, single submitter. Criteria: Ambry Variant Classification Scheme 2023. Collection method: clinical testing. Allele origin: germline.
Comment: The p.F640I variant (also known as c.1918T>A), located in coding exon 17 of the TSC2 gene, results from a T to A substitution at nucleotide position 1918. The phenylalanine at codon 640 is replaced by isoleucine, an amino acid with highly similar properties. This amino acid position is conserved. In addition, this alteration is predicted to be deleterious by in silico analysis. Based on the available evidence, the clinical significance of this variant remains unclear.